The following is an entry in ClinVar:

NM_001287.6(CLCN7):c.285+6C>T

Gene: CLCN7 (chloride voltage-gated channel 7; minus strand). Cytogenetic location: 16p13.3.
Variant type: single nucleotide variant.
Coding change: c.285+6C>T on transcript NM_001287.6 (MANE Select); 6 bases into the intron after coding-DNA position 285, C replaced by T.
Molecular consequence: intron variant.
Genome position (GRCh38, 1-based): chr16:1,461,597, G>A on the plus strand (C>T on the coding strand, the complement: CLCN7 is on the minus strand). VCF-style: chr16-1461597-G-A. GRCh37 (hg19) VCF-style: chr16-1511598-G-A.
Other names: c.213+6C>T (NM_001114331.3).
Identifiers: ClinVar variation 1906222 (VCV001906222.5), dbSNP rs375213357, ClinGen allele CA7810863.

ClinVar aggregate classification (germline): Uncertain significance (1 of 4 stars; one submission).

Allele frequency attached by ClinVar (database versions not stated): TOPMed below 0.00001; gnomAD exomes 0.00001; ExAC 0.00002.

Submission:

Labcorp Genetics (formerly Invitae), Labcorp
Classification: Uncertain significance. Last evaluated: 2022-10-07. Review status: criteria provided, single submitter. Criteria: Invitae Variant Classification Sherloc (09022015). Collection method: clinical testing. Allele origin: germline.
Comment: In summary, the available evidence is currently insufficient to determine the role of this variant in disease. Therefore, it has been classified as a Variant of Uncertain Significance. This sequence change falls in intron 3 of the CLCN7 gene. It does not directly change the encoded amino acid sequence of the CLCN7 protein. It affects a nucleotide within the consensus splice site. This variant is present in population databases (rs375213357, gnomAD 0.02%). This variant has not been reported in the literature in individuals affected with CLCN7-related conditions. Variants that disrupt the consensus splice site are a relatively common cause of aberrant splicing (PMID: 17576681, 9536098). Algorithms developed to predict the effect of sequence changes on RNA splicing suggest that this variant may disrupt the consensus splice site.

Literature cited by the submitters: PubMed 17576681; PubMed 9536098.